The following is an entry in ClinVar:

NM_000051.4(ATM):c.6743dup (p.Asp2249fs)

Genes: ATM (ATM serine/threonine kinase; plus strand), C11orf65 (chromosome 11 open reading frame 65; minus strand). Cytogenetic location: 11q22.3.
Variant type: Duplication.
Coding change: c.6743dup on transcript NM_000051.4 (MANE Select); coding-DNA position 6743, one base duplicated (A; older notation c.6743dupA).
Protein change: p.Asp2249fs; shifts the reading frame from aspartic acid 2249.
Molecular consequence: frameshift variant. On other transcripts: intron variant (2).
Genome position (GRCh38, 1-based): chr11:108,325,480, A duplicated; the last of 2 consecutive A bases (chr11:108,325,479-108,325,480); duplicating either gives the same sequence. VCF-style (leftmost placement, unchanged base first): chr11-108325478-T-TA. GRCh37 (hg19) VCF-style: chr11-108196205-T-TA.
Other names: c.6743dup, p.Asp2249fs (NM_001351834.2); c.641-16408dup (NM_001330368.2); c.*38+9741dup (NM_001351110.2); short protein forms D2249fs.
Identifiers: ClinVar variation 921700 (VCV000921700.5), dbSNP rs2085573796, ClinGen allele CA1139662254.

ClinVar aggregate classification (germline): Pathogenic (1 of 4 stars; one submission).

Conditions:
Hereditary cancer-predisposing syndrome. Also called: Tumor predisposition; Neoplastic Syndromes, Hereditary; Hereditary neoplastic syndrome; Hereditary Cancer Syndrome. Identifiers: Orphanet 140162, MedGen C0027672, MeSH D009386, MONDO:0015356.

Submission:

Color Diagnostics, LLC DBA Color Health
Classification: Pathogenic for Hereditary cancer-predisposing syndrome. Last evaluated: 2019-11-11. Review status: criteria provided, single submitter. Criteria: ACMG Guidelines, 2015. Collection method: clinical testing. Allele origin: germline.
Comment: This variant inserts 1 nucleotide in exon 46 of the ATM gene, creating a frameshift and premature translation stop signal. This variant is expected to result in an absent or non-functional protein product. Splice site prediction tools suggest that this variant may not impact RNA splicing. To our knowledge, functional studies have not been performed for this variant. This variant has not been reported in individuals affected with hereditary cancer in the literature. This variant has not been identified in the general population by the Genome Aggregation Database (gnomAD). Loss of ATM function is a known mechanism of disease. Based on the available evidence, this variant is classified as Pathogenic.